The following is an entry in ClinVar:

ClinVar aggregate classification (germline): Likely benign (0 of 4 stars; one submission).

Conditions:
SYNE1-related disorder. Also called: SYNE1-related disease; SYNE1-related condition; SYNE1-related disorders.

Allele frequency attached by ClinVar (database versions not stated): gnomAD exomes below 0.00001; gnomAD 0.00001.
gnomAD v4.1: 6 of 1,614,078 alleles (0.00037%); highest among the groups gnomAD compares: Non-Finnish European, 0.00051%; no homozygotes.

Submission:

PreventionGenetics, part of Exact Sciences
Classification: Likely benign for SYNE1-related condition. Last evaluated: 2023-12-15. Review status: no assertion criteria provided. Collection method: clinical testing. Allele origin: germline.
Comment: This variant is classified as likely benign based on ACMG/AMP sequence variant interpretation guidelines (Richards et al. 2015 PMID: 25741868, with internal and published modifications).

NM_182961.4(SYNE1):c.20436A>G (p.Gln6812=)

Gene: SYNE1 (spectrin repeat containing nuclear envelope protein 1; minus strand). Cytogenetic location: 6q25.2.
Variant type: single nucleotide variant.
Coding change: c.20436A>G on transcript NM_182961.4 (MANE Select); coding-DNA position 20436, A replaced by G.
Protein change: p.Gln6812=; no amino-acid change (glutamine 6812 retained).
Molecular consequence: synonymous variant.
Genome position (GRCh38, 1-based): chr6:152,234,761, T>C on the plus strand (A>G on the coding strand, the complement: SYNE1 is on the minus strand). VCF-style: chr6-152234761-T-C. GRCh37 (hg19) VCF-style: chr6-152555896-T-C.
Other names: c.20223A>G, p.Gln6741= (NM_033071.5).
Identifiers: ClinVar variation 3031125 (VCV003031125.2), dbSNP rs2083601670, ClinGen allele CA452751629.